The following is an entry in ClinVar:

NM_016312.3(WBP11):c.1213C>T (p.Pro405Ser)

Gene: WBP11 (WW domain binding protein 11; minus strand). Cytogenetic location: 12p12.3.
Variant type: single nucleotide variant.
Coding change: c.1213C>T on transcript NM_016312.3 (MANE Select); coding-DNA position 1213, C replaced by T.
Protein change: p.Pro405Ser; replaces proline 405 with serine.
Molecular consequence: missense variant.
Genome position (GRCh38, 1-based): chr12:14,790,552, G>A on the plus strand (C>T on the coding strand, the complement: WBP11 is on the minus strand). VCF-style: chr12-14790552-G-A. GRCh37 (hg19) VCF-style: chr12-14943486-G-A.
Other names: short protein forms P405S.
Identifiers: ClinVar variation 2642758 (VCV002642758.24), dbSNP rs149086245, ClinGen allele CA6464263.

ClinVar aggregate classification (germline): Likely benign (1 of 4 stars; one submission).

Allele frequency attached by ClinVar (database versions not stated): 1000 Genomes Project 30x 0.00078; 1000 Genomes Project 0.00080; TOPMed 0.00293; gnomAD 0.00325; ExAC 0.00382; ESP Exome Variant Server 0.00384; gnomAD exomes 0.00451.

Submission:

CeGaT Center for Human Genetics Tuebingen
Classification: Likely benign. Last evaluated: 2026-07-01. Review status: criteria provided, single submitter. Criteria: CeGaT Center For Human Genetics Tuebingen Variant Classification Criteria Version 2. Collection method: clinical testing. Allele origin: germline. Affected: yes. Observed: 4 variant alleles.
Comment: GUCY2C-AS1: BS2; WBP11: BS2